The following is an entry in ClinVar:

NM_144997.7(FLCN):c.871+69T>G

Gene: FLCN (folliculin; minus strand). Cytogenetic location: 17p11.2.
Variant type: single nucleotide variant.
Coding change: c.871+69T>G on transcript NM_144997.7 (MANE Select); 69 bases into the intron after coding-DNA position 871, T replaced by G.
Molecular consequence: intron variant. On other transcripts: missense variant (1).
Genome position (GRCh38, 1-based): chr17:17,221,468, A>C on the plus strand (T>G on the coding strand, the complement: FLCN is on the minus strand). VCF-style: chr17-17221468-A-C. GRCh37 (hg19) VCF-style: chr17-17124782-A-C.
Other names: c.940T>G, p.Ser314Ala (NM_144606.7); c.871+69T>G (NM_001353231.2, NM_001353230.2); c.925+69T>G (NM_001353229.2); short protein forms S314A.
Identifiers: ClinVar variation 5021851 (VCV005021851.1).

ClinVar aggregate classification (germline): Uncertain significance (1 of 4 stars; one submission).

Conditions:
Hereditary cancer-predisposing syndrome. Also called: Neoplastic Syndromes, Hereditary; Tumor predisposition; Hereditary neoplastic syndrome; Hereditary Cancer Syndrome. Identifiers: Orphanet 140162, MedGen C0027672, MeSH D009386, MONDO:0015356.

gnomAD v4.1: 6 of 1,613,896 alleles (0.00037%); highest among the groups gnomAD compares: Non-Finnish European, 0.00051%; no homozygotes.

Submission:

Ambry Genetics
Classification: Uncertain significance for Hereditary cancer-predisposing syndrome. Last evaluated: 2026-07-06. Review status: criteria provided, single submitter. Criteria: Ambry Variant Classification Scheme 2023. Collection method: clinical testing. Allele origin: germline.
Comment: The p.S314A variant (also known as c.940T>G), located in coding exon 5 of the FLCN gene, results from a T to G substitution at nucleotide position 940. The serine at codon 314 is replaced by alanine, an amino acid with similar properties. This amino acid position is conserved. In addition, this alteration is predicted to be tolerated by in silico analysis. Based on the available evidence, the clinical significance of this variant remains unclear.